The following is an entry in ClinVar:

NM_001277115.2(DNAH11):c.5528A>C (p.His1843Pro)

Gene: DNAH11 (dynein axonemal heavy chain 11; plus strand). Cytogenetic location: 7p15.3.
Variant type: single nucleotide variant.
Coding change: c.5528A>C on transcript NM_001277115.2 (MANE Select); coding-DNA position 5528, A replaced by C.
Protein change: p.His1843Pro; replaces histidine 1843 with proline.
Molecular consequence: missense variant.
Genome position (GRCh38, 1-based): chr7:21,683,851, A>C. VCF-style: chr7-21683851-A-C. GRCh37 (hg19) VCF-style: chr7-21723469-A-C.
Other names: short protein forms H1843P.
Identifiers: ClinVar variation 1012793 (VCV001012793.40), dbSNP rs1783249574, ClinGen allele CA366947602.

ClinVar aggregate classification (germline): Uncertain significance. Review status: criteria provided, multiple submitters, no conflicts (2 of 4 stars). 2 submissions from 2 submitters: Uncertain significance (2). Last evaluated 2022-03-31.

Conditions:
Primary ciliary dyskinesia 7. Also called: CILIARY DYSKINESIA, PRIMARY, 7, WITH OR WITHOUT SITUS INVERSUS. Identifiers: Orphanet 244, MedGen C2678473, MONDO:0012748, OMIM 611884.

Submissions (2):

MGZ Medical Genetics Center
Classification: Uncertain significance for Primary ciliary dyskinesia 7. Last evaluated: 2022-03-31. Review status: criteria provided, single submitter. Criteria: ACMG Guidelines, 2015. Collection method: clinical testing. Allele origin: germline. Affected: yes. Observed: 2 variant alleles.
Comment: ACMG criteria applied: PM2_SUP, BP4

CeGaT Center for Human Genetics Tuebingen
Classification: Uncertain significance. Last evaluated: 2020-11-01. Review status: criteria provided, single submitter. Criteria: CeGaT Center For Human Genetics Tuebingen Variant Classification Criteria Version 2. Collection method: clinical testing. Allele origin: germline. Affected: yes. Observed: 2 variant alleles.